The following is an entry in ClinVar:

NM_006000.3(TUBA4A):c.1167C>G (p.Ala389=)

Gene: TUBA4A (tubulin alpha 4a; minus strand). Cytogenetic location: 2q35.
Variant type: single nucleotide variant.
Coding change: c.1167C>G on transcript NM_006000.3 (MANE Select); coding-DNA position 1167, C replaced by G.
Protein change: p.Ala389=; no amino-acid change (alanine 389 retained).
Molecular consequence: synonymous variant.
Genome position (GRCh38, 1-based): chr2:219,250,532, G>C on the plus strand (C>G on the coding strand, the complement: TUBA4A is on the minus strand). VCF-style: chr2-219250532-G-C. GRCh37 (hg19) VCF-style: chr2-220115254-G-C.
Other names: c.1122C>G, p.Ala374= (NM_001278552.2).
Identifiers: ClinVar variation 4989821 (VCV004989821.1).

ClinVar aggregate classification (germline): Likely benign (1 of 4 stars; one submission).

Conditions:
TUBA4A-related disorder. Also called: TUBA4A-related condition.

Submission:

PreventionGenetics, part of Exact Sciences
Classification: Likely benign for TUBA4A-related condition. Last evaluated: 2025-02-13. Review status: criteria provided, single submitter. Criteria: ACMG Guidelines, 2015. Collection method: clinical testing. Allele origin: germline.
Comment: This variant is classified as likely benign based on ACMG/AMP sequence variant interpretation guidelines (Richards et al. 2015 PMID: 25741868, with internal and published modifications).